The following is an entry in ClinVar:

ClinVar aggregate classification (germline): Likely benign (1 of 4 stars; one submission).

Allele frequency attached by ClinVar (database versions not stated): gnomAD 0.00003; ExAC 0.00004; gnomAD exomes 0.00006; TOPMed 0.00006.
gnomAD v4.1: 95 of 1,606,656 alleles (0.0059%); highest among the groups gnomAD compares: Non-Finnish European, 0.0079%; no homozygotes.

Submission:

CeGaT Center for Human Genetics Tuebingen
Classification: Likely benign. Last evaluated: 2022-11-01. Review status: criteria provided, single submitter. Criteria: CeGaT Center For Human Genetics Tuebingen Variant Classification Criteria Version 2. Collection method: clinical testing. Allele origin: germline. Affected: yes. Observed: 1 variant allele.
Comment: BLTP1: BP4, BP7

NM_001384125.1(BLTP1):c.13551A>C (p.Thr4517=)

Gene: BLTP1 (bridge-like lipid transfer protein family member 1; plus strand). Cytogenetic location: 4q27.
Variant type: single nucleotide variant.
Coding change: c.13551A>C on transcript NM_001384125.1 (MANE Select); coding-DNA position 13551, A replaced by C.
Protein change: p.Thr4517=; no amino-acid change (threonine 4517 retained).
Molecular consequence: synonymous variant.
Genome position (GRCh38, 1-based): chr4:122,349,164, A>C. VCF-style: chr4-122349164-A-C. GRCh37 (hg19) VCF-style: chr4-123270319-A-C.
Other names: c.13287A>C, p.Thr4429= (NM_015312.4).
Identifiers: ClinVar variation 1879615 (VCV001879615.29), dbSNP rs748643133, ClinGen allele CA3068191.
Genomic context (GRCh38, chr4:122,349,164, plus strand): 5'-TTAATTCATGACACTGGAAGCTATATATATAATAACCTTTTTTTCATTTTTTAGTTGGAC[A>C]ACTAGTGGTTTGAAGAGCCAGGGCCGTCTGTCAGTAGGAAGTAATCGTGATCGAGAGATC-3'
Protein context (NP_001371054.1, residues 4507-4527): MSNVMGNTTW[Thr4517=]TSGLKSQGRL